The following is an entry in ClinVar:

ClinVar aggregate classification (germline): Uncertain significance (1 of 4 stars; one submission).

Conditions:
Renal hypomagnesemia 2 (HOMG2). Also called: MAGNESIUM LOSS, ISOLATED RENAL. Identifiers: Orphanet 34528, MedGen C1835171, MONDO:0007937, OMIM 154020.

Submission:

Dasa
Classification: Uncertain significance for Renal hypomagnesemia 2. Last evaluated: 2025-04-01. Review status: criteria provided, single submitter. Criteria: DASA Assertion Criteria. Collection method: clinical testing. Allele origin: germline.
Comment: NM_001680.5(FXYD2):c.177-7C>T is a splice-region variant. This variant is absent from population databases. Computational prediction algorithms are consistent with a benign effect. The currently available literature and clinical evidence are not sufficient to establish a definitive association between this variant and the reported condition. Therefore, this variant is classified as a variant of uncertain significance.

NM_001680.5(FXYD2):c.177-7C>T

Genes: FXYD2 (FXYD domain containing ion transport regulator 2; minus strand), FXYD6-FXYD2 (FXYD6-FXYD2 readthrough; minus strand). Cytogenetic location: 11q23.3.
Variant type: single nucleotide variant.
Coding change: c.177-7C>T on transcript NM_001680.5 (MANE Select); 7 bases into the intron before coding-DNA position 177, C replaced by T.
Molecular consequence: intron variant.
Genome position (GRCh38, 1-based): chr11:117,820,703, G>A on the plus strand (C>T on the coding strand, the complement: FXYD2 is on the minus strand). VCF-style: chr11-117820703-G-A. GRCh37 (hg19) VCF-style: chr11-117691418-G-A.
Other names: c.*10-7C>T (NM_001243598.4); c.411-7C>T (NM_001204268.3); c.171-7C>T (NM_021603.4).
Identifiers: ClinVar variation 4882631 (VCV004882631.2).